The following is an entry in ClinVar:

NM_003184.4(TAF2):c.732G>A (p.Ala244=)

Gene: TAF2 (TATA-box binding protein associated factor 2; minus strand). Cytogenetic location: 8q24.12.
Variant type: single nucleotide variant.
Coding change: c.732G>A on transcript NM_003184.4 (MANE Select); coding-DNA position 732, G replaced by A.
Protein change: p.Ala244=; no amino-acid change (alanine 244 retained).
Molecular consequence: synonymous variant.
Genome position (GRCh38, 1-based): chr8:119,801,854, C>T on the plus strand (G>A on the coding strand, the complement: TAF2 is on the minus strand). VCF-style: chr8-119801854-C-T. GRCh37 (hg19) VCF-style: chr8-120814094-C-T.
Identifiers: ClinVar variation 1337254 (VCV001337254.35), dbSNP rs374975585, ClinGen allele CA4857500.
Genomic context (GRCh38, chr8:119,801,854, plus strand): 5'-CTCATGCATGTATGGATCTACCAGTATTTCAAATGGTCCAATGGCCAAGGAGATATTTGA[C>T]GCTGCTGTAGGAATGGTAAGCATATAATGGAAAGTTTTCTTCCTCATATCATGAGTATAC-3'
Protein context (NP_003175.2, residues 234-254): FHYMLTIPTA[Ala244=]SNISLAIGPF

ClinVar aggregate classification (germline): Likely benign. Review status: criteria provided, multiple submitters, no conflicts (2 of 4 stars). 3 submissions from 3 submitters: Likely benign (3). Last evaluated 2022-06-01.

Allele frequency attached by ClinVar (database versions not stated): gnomAD 0.00005 and 0.00006; gnomAD exomes 0.00006 and 0.00013; ESP Exome Variant Server 0.00008; TOPMed 0.00009; ExAC 0.00012.
gnomAD v4.1: 95 of 1,614,012 alleles (0.0059%); highest among the groups gnomAD compares: Admixed American, 0.047%; no homozygotes.

Submissions (3):

CeGaT Center for Human Genetics Tuebingen
Classification: Likely benign. Last evaluated: 2022-06-01. Review status: criteria provided, single submitter. Criteria: CeGaT Center For Human Genetics Tuebingen Variant Classification Criteria Version 2. Collection method: clinical testing. Allele origin: germline. Affected: yes. Observed: 1 variant allele.
Comment: TAF2: BP4, BP7

Labcorp Genetics (formerly Invitae), Labcorp
Classification: Likely benign. Last evaluated: 2022-03-14. Review status: criteria provided, single submitter. Criteria: Invitae Variant Classification Sherloc (09022015). Collection method: clinical testing. Allele origin: germline.

Genetic Services Laboratory, University of Chicago
Classification: Likely benign. Last evaluated: 2019-07-03. Review status: criteria provided, single submitter. Criteria: ACMG Guidelines, 2015. Collection method: clinical testing. Allele origin: germline. Affected: no.